The following is an entry in ClinVar:

NM_000719.7(CACNA1C):c.7_9del (p.Asn3del)

Gene: CACNA1C (calcium voltage-gated channel subunit alpha1 C; plus strand). Cytogenetic location: 12p13.33.
Variant type: Deletion.
Coding change: c.7_9del on transcript NM_000719.7 (MANE Select); coding-DNA positions 7 to 9, 3 bases deleted (AAT; older notation c.7_9delAAT).
Protein change: p.Asn3del; deletes asparagine 3.
Molecular consequence: inframe deletion.
Genome position (GRCh38, 1-based): chr12:2,053,569-2,053,571, AAT deleted. VCF-style (leftmost placement, unchanged base first): chr12-2053568-CAAT-C. GRCh37 (hg19) VCF-style: chr12-2162734-CAAT-C.
Other names: c.7_9del, p.Asn3del (NM_001129832.2, NM_001129833.2, NM_001129834.2 and 19 more transcripts); short protein forms N3del.
Identifiers: ClinVar variation 1756638 (VCV001756638.3), dbSNP rs2543372072, ClinGen allele CA2575044595.

ClinVar aggregate classification (germline): Uncertain significance. Review status: criteria provided, multiple submitters, no conflicts (2 of 4 stars). 2 submissions from 2 submitters: Uncertain significance (2). Last evaluated 2025-12-21.

Conditions:
Cardiovascular phenotype. Identifiers: MedGen CN230736.
Long QT syndrome (LQTS). Identifiers: MedGen C0023976, MeSH D008133, MONDO:0002442. Disease mechanism: loss of function. Inheritance: Various modes of inheritance.

Submissions (2):

Labcorp Genetics (formerly Invitae), Labcorp
Classification: Uncertain significance for Long QT syndrome. Last evaluated: 2025-12-21. Review status: criteria provided, single submitter. Criteria: Invitae Variant Classification Sherloc (09022015). Collection method: clinical testing. Allele origin: germline.
Comment: This variant, c.7_9del, results in the deletion of 1 amino acid(s) of the CACNA1C protein (p.Asn3del), but otherwise preserves the integrity of the reading frame. This variant is not present in population databases (gnomAD no frequency). This variant has not been reported in the literature in individuals affected with CACNA1C-related conditions. ClinVar contains an entry for this variant (Variation ID: 1756638). In summary, the available evidence is currently insufficient to determine the role of this variant in disease. Therefore, it has been classified as a Variant of Uncertain Significance.

Ambry Genetics
Classification: Uncertain significance for Cardiovascular phenotype. Last evaluated: 2020-12-11. Review status: criteria provided, single submitter. Criteria: Ambry Variant Classification Scheme 2023. Collection method: clinical testing. Allele origin: germline.
Comment: The c.7_9delAAT variant (also known as p.N3del) is located in coding exon 1 of the CACNA1C gene. This variant results from an in-frame AAT deletion at nucleotide positions 7 to 9. This results in the in-frame deletion of an asparagine at codon 3. This amino acid position is highly conserved in available vertebrate species. In addition, this alteration is predicted to be neutral by in silico analysis (Choi Y et al. PLoS ONE. 2012; 7(10):e46688). Since supporting evidence is limited at this time, the clinical significance of this alteration remains unclear.